The following is an entry in ClinVar:

NM_000088.4(COL1A1):c.3369+62C>T

Gene: COL1A1 (collagen type I alpha 1 chain; minus strand). Cytogenetic location: 17q21.33.
Variant type: single nucleotide variant.
Coding change: c.3369+62C>T on transcript NM_000088.4 (MANE Select); 62 bases into the intron after coding-DNA position 3369, C replaced by T.
Molecular consequence: intron variant.
Genome position (GRCh38, 1-based): chr17:50,187,814, G>A on the plus strand (C>T on the coding strand, the complement: COL1A1 is on the minus strand). VCF-style: chr17-50187814-G-A. GRCh37 (hg19) VCF-style: chr17-48265175-G-A.
Identifiers: ClinVar variation 675197 (VCV000675197.2), dbSNP rs41316711, ClinGen allele CA15914808.

ClinVar aggregate classification (germline): Likely benign. Review status: criteria provided, multiple submitters, no conflicts (2 of 4 stars). 2 submissions from 2 submitters: Likely benign (2). Last evaluated 2018-06-14.

Allele frequency attached by ClinVar (database versions not stated): 1000 Genomes Project 30x 0.00484; 1000 Genomes Project 0.00519; TOPMed 0.00893; gnomAD 0.01037 and 0.01056.
gnomAD v4.1: 20,387 of 1,433,514 alleles (1.4%); highest among the groups gnomAD compares: Non-Finnish European, 1.7%; 189 homozygotes.

Submissions (2):

GeneDx
Classification: Likely benign. Last evaluated: 2018-06-14. Review status: criteria provided, single submitter. Criteria: GeneDx Variant Classification (06012015). Collection method: clinical testing. Allele origin: germline. Affected: yes.
Comment: This variant is considered likely benign or benign based on one or more of the following criteria: it is a conservative change, it occurs at a poorly conserved position in the protein, it is predicted to be benign by multiple in silico algorithms, and/or has population frequency not consistent with disease.

Breakthrough Genomics
Classification: Likely benign. Review status: criteria provided, single submitter. Criteria: ACMG Guidelines, 2015. Collection method: not provided. Allele origin: germline. Inheritance: Autosomal dominant inheritance. Affected: yes.